The following is an entry in ClinVar:

ClinVar aggregate classification (germline): Uncertain significance (0 of 4 stars; one submission).

Conditions:
SLC12A2-related disorder. Also called: SLC12A2-related condition; SLC12A2-related disorders.

Submission:

PreventionGenetics, part of Exact Sciences
Classification: Uncertain significance for SLC12A2-related condition. Last evaluated: 2023-12-03. Review status: no assertion criteria provided. Collection method: clinical testing. Allele origin: germline.
Comment: The SLC12A2 c.685C>T variant is predicted to result in the amino acid substitution p.His229Tyr. To our knowledge, this variant has not been reported in the literature or in a large population database, indicating this variant is rare. At this time, the clinical significance of this variant is uncertain due to the absence of conclusive functional and genetic evidence.

NM_001046.3(SLC12A2):c.685C>T (p.His229Tyr)

Gene: SLC12A2 (solute carrier family 12 member 2; plus strand). Cytogenetic location: 5q23.3.
Variant type: single nucleotide variant.
Coding change: c.685C>T on transcript NM_001046.3 (MANE Select); coding-DNA position 685, C replaced by T.
Protein change: p.His229Tyr; replaces histidine 229 with tyrosine.
Molecular consequence: missense variant. On other transcripts: non-coding transcript variant (1).
Genome position (GRCh38, 1-based): chr5:128,084,639, C>T. VCF-style: chr5-128084639-C-T. GRCh37 (hg19) VCF-style: chr5-127420331-C-T.
Other names: c.685C>T, p.His229Tyr (NM_001256461.2); short protein forms H229Y.
Identifiers: ClinVar variation 3051660 (VCV003051660.2), dbSNP rs2480693100, ClinGen allele CA360737018.